The following is an entry in ClinVar:

ClinVar aggregate classification (germline): Conflicting classifications of pathogenicity. Review status: criteria provided, conflicting classifications (1 of 4 stars). 5 submissions from 5 submitters: Likely pathogenic (3); Uncertain significance (1). 1 of the submissions does not count toward it. Last evaluated 2025-10-15.

Conditions:
Peroxisome biogenesis disorder. Identifiers: Orphanet 79189, MedGen C1832200, MONDO:0019234. Disease mechanism: loss of function.
Peroxisome biogenesis disorder 11A (Zellweger). Also called: Peroxisome biogenesis disorder 11A. Identifiers: Orphanet 912, MedGen C3554000, MONDO:0013949, OMIM 614883.
Peroxisome biogenesis disorder 11B (PBD11B). Identifiers: Orphanet 44, MedGen C3554001, MONDO:0013950, OMIM 614885.

Allele frequency attached by ClinVar (database versions not stated): gnomAD exomes below 0.00001; TOPMed 0.00001.
gnomAD v4.1: 7 of 1,614,162 alleles (0.00043%); highest among the groups gnomAD compares: Non-Finnish European, 0.00042%; no homozygotes.

Submissions (5):

Labcorp Genetics (formerly Invitae), Labcorp
Classification: Likely pathogenic for Peroxisome biogenesis disorder 11A (Zellweger). Last evaluated: 2025-10-15. Review status: criteria provided, single submitter. Criteria: Invitae Variant Classification Sherloc (09022015). Collection method: clinical testing. Allele origin: germline.
Comment: This sequence change replaces isoleucine, which is neutral and non-polar, with threonine, which is neutral and polar, at codon 326 of the PEX13 protein (p.Ile326Thr). This variant is present in population databases (rs61752115, gnomAD 0.0009%). This missense change has been observed in individual(s) with neonatal adrenoleukodystrophy (PMID: 10332040, 21031596). ClinVar contains an entry for this variant (Variation ID: 7704). Invitae Evidence Modeling of protein sequence and biophysical properties (such as structural, functional, and spatial information, amino acid conservation, physicochemical variation, residue mobility, and thermodynamic stability) indicates that this missense variant is not expected to disrupt PEX13 protein function with a negative predictive value of 80%. Experimental studies have shown that this missense change affects PEX13 function (PMID: 10332040, 16006427, 27827795). In summary, the currently available evidence indicates that the variant is pathogenic, but additional data are needed to prove that conclusively. Therefore, this variant has been classified as Likely Pathogenic.

Women's Health and Genetics/Laboratory Corporation of America, LabCorp
Classification: Likely pathogenic for Peroxisome biogenesis disorder. Last evaluated: 2024-09-12. Review status: criteria provided, single submitter. Criteria: LabCorp Variant Classification Summary - May 2015. Collection method: clinical testing. Allele origin: germline.
Comment: Variant summary: PEX13 c.977T>C (p.Ile326Thr) results in a non-conservative amino acid change located in the SH3 domain (IPR001452) of the encoded protein sequence. Three of five in-silico tools predict a damaging effect of the variant on protein function. The variant allele was found at a frequency of 4e-06 in 251464 control chromosomes. c.977T>C has been reported in the literature in at-least two individuals affected with Peroxisome Biogenesis Disorders, Zellweger Syndrome Spectrum (Hashimoto_2005, Shimozawa_1999,Liu_1999, Ebberink_2011). These data indicate that the variant may be associated with disease. At least one publication reports experimental evidence evaluating an impact on protein function. The most pronounced variant effect results in a lower melting temperature (Tm, 30 degree vs 58 degree of WT) in vitro (Hashimoto_2005, Shimozawa_1999), suggesting of unstability of the variant protein. The following publications have been ascertained in the context of this evaluation (PMID: 21031596, 16006427, 10441568, 10332040). ClinVar contains an entry for this variant (Variation ID: 7704). Based on the evidence outlined above, the variant was classified as likely pathogenic.

GeneDx
Classification: Likely pathogenic. Last evaluated: 2022-01-25. Review status: criteria provided, single submitter. Criteria: GeneDx Variant Classification Process June 2021. Collection method: clinical testing. Allele origin: germline. Affected: yes.
Comment: Published functional studies suggest a damaging effect on peroxisome assembly (Shimozawa et al., 1999); Not observed at significant frequency in large population cohorts (gnomAD); In silico analysis supports that this missense variant has a deleterious effect on protein structure/function; This variant is associated with the following publications: (PMID: 10332040, 16006427)

Blueprint Genetics
Classification: Uncertain significance. Last evaluated: 2021-02-10. Review status: criteria provided, single submitter. Criteria: ACMG Guidelines, 2015. Collection method: clinical testing. Allele origin: germline.

OMIM
Classification: Pathogenic for PEROXISOME BIOGENESIS DISORDER 11B. Last evaluated: 1999-09-01. Review status: no assertion criteria provided. Collection method: literature only. Allele origin: germline. Not counted in ClinVar's aggregate classification.

Literature cited by the submitters: PubMed 10332040 (cited by 3 submitters); PubMed 21031596 (cited by Labcorp Genetics (formerly Invitae), Labcorp and Women's Health and Genetics/Laboratory Corporation of America, LabCorp); PubMed 16006427 (cited by Labcorp Genetics (formerly Invitae), Labcorp and Women's Health and Genetics/Laboratory Corporation of America, LabCorp); PubMed 27827795 (cited by Labcorp Genetics (formerly Invitae), Labcorp); PubMed 10441568 (cited by Women's Health and Genetics/Laboratory Corporation of America, LabCorp and OMIM); PubMed 9480815 (cited by OMIM).

NM_002618.4(PEX13):c.977T>C (p.Ile326Thr)

Gene: PEX13 (peroxisomal biogenesis factor 13; plus strand). Cytogenetic location: 2p15.
Variant type: single nucleotide variant.
Coding change: c.977T>C on transcript NM_002618.4 (MANE Select); coding-DNA position 977, T replaced by C.
Protein change: p.Ile326Thr; replaces isoleucine 326 with threonine.
Molecular consequence: missense variant.
Genome position (GRCh38, 1-based): chr2:61,048,535, T>C. VCF-style: chr2-61048535-T-C. GRCh37 (hg19) VCF-style: chr2-61275670-T-C.
Other names: short protein forms I326T.
Identifiers: ClinVar variation 7704 (VCV000007704.11), dbSNP rs61752115, ClinGen allele CA119011.
Genomic context (GRCh38, chr2:61,048,535, plus strand): 5'-AACAACCCAAAGTGCGTGGTTGGCTTCTGGCTAGCCTTGATGGCCAAACAACAGGACTTA[T>C]ACCTGCGAATTATGTCAAAATTCTTGGCAAAAGAAAAGGTAGGAAAACGGTGGAATCAAG-3'
Protein context (NP_002609.1, residues 316-336): ASLDGQTTGL[Ile326Thr]PANYVKILGK